The following is an entry in ClinVar:

ClinVar aggregate classification (germline): Uncertain significance. Review status: criteria provided, multiple submitters, no conflicts (2 of 4 stars). 2 submissions from 2 submitters: Uncertain significance (2). Last evaluated 2023-10-22.

Conditions:
Periventricular nodular heterotopia 7 (PVNH7). Identifiers: MedGen C4310669, MONDO:0014966, OMIM 617201.

Allele frequency attached by ClinVar (database versions not stated): gnomAD exomes 0.00001.
gnomAD v4.1: 4 of 1,613,828 alleles (0.00025%); highest among the groups gnomAD compares: Admixed American, 0.0033%; no homozygotes.

Submissions (2):

Labcorp Genetics (formerly Invitae), Labcorp
Classification: Uncertain significance. Last evaluated: 2023-10-22. Review status: criteria provided, single submitter. Criteria: Invitae Variant Classification Sherloc (09022015). Collection method: clinical testing. Allele origin: germline.
Comment: This sequence change replaces aspartic acid, which is acidic and polar, with glutamic acid, which is acidic and polar, at codon 178 of the NEDD4L protein (p.Asp178Glu). This variant is present in population databases (no rsID available, gnomAD 0.006%). This variant has not been reported in the literature in individuals affected with NEDD4L-related conditions. ClinVar contains an entry for this variant (Variation ID: 964850). Advanced modeling of protein sequence and biophysical properties (such as structural, functional, and spatial information, amino acid conservation, physicochemical variation, residue mobility, and thermodynamic stability) performed at Invitae indicates that this missense variant is not expected to disrupt NEDD4L protein function. In summary, the available evidence is currently insufficient to determine the role of this variant in disease. Therefore, it has been classified as a Variant of Uncertain Significance.

Fulgent Genetics
Classification: Uncertain significance for Periventricular nodular heterotopia 7. Last evaluated: 2021-12-15. Review status: criteria provided, single submitter. Criteria: ACMG Guidelines, 2015. Collection method: clinical testing. Allele origin: unknown.

NM_001144967.3(NEDD4L):c.534C>G (p.Asp178Glu)

Gene: NEDD4L (NEDD4 like E3 ubiquitin protein ligase; plus strand). Cytogenetic location: 18q21.31.
Variant type: single nucleotide variant.
Coding change: c.534C>G on transcript NM_001144967.3 (MANE Select); coding-DNA position 534, C replaced by G.
Protein change: p.Asp178Glu; replaces aspartic acid 178 with glutamic acid.
Molecular consequence: missense variant.
Genome position (GRCh38, 1-based): chr18:58,325,016, C>G. VCF-style: chr18-58325016-C-G. GRCh37 (hg19) VCF-style: chr18-55992248-C-G.
Other names: c.171C>G, p.Asp57Glu (NM_001144964.1, NM_001144965.2, NM_001144966.3 and 2 more transcripts); c.510C>G, p.Asp170Glu (NM_001144968.2, NM_001144969.2); c.534C>G, p.Asp178Glu (NM_001243960.2, NM_015277.6); short protein forms D170E, D178E, D57E.
Identifiers: ClinVar variation 964850 (VCV000964850.10), dbSNP rs903587997, ClinGen allele CA300909035.